The following is an entry in ClinVar:

ClinVar aggregate classification (germline): Uncertain significance (1 of 4 stars; one submission).

Submission:

Women's Health and Genetics/Laboratory Corporation of America, LabCorp
Classification: Uncertain significance. Last evaluated: 2026-05-05. Review status: criteria provided, single submitter. Criteria: LabCorp Variant Classification Summary - May 2015. Collection method: clinical testing. Allele origin: germline.
Comment: Variant summary: CDH1 c.281C>G (p.Pro94Arg) results in a non-conservative amino acid change in the encoded protein sequence. Algorithms developed to predict the effect of missense changes on protein structure and function are either unavailable or do not agree on the potential impact of this missense change. The variant was absent in 246084 control chromosomes. The available data on variant occurrences in the general population are insufficient to allow any conclusion about variant significance. To our knowledge, no occurrence of c.281C>G in individuals affected with CDH1-related conditions and no experimental evidence demonstrating its impact on protein function have been reported. ClinVar contains an entry for this variant (Variation ID: 633153). Based on the evidence outlined above, the variant was classified as uncertain significance.

NM_004360.5(CDH1):c.281C>G (p.Pro94Arg)

Gene: CDH1 (cadherin 1; plus strand). Cytogenetic location: 16q22.1.
Variant type: single nucleotide variant.
Coding change: c.281C>G on transcript NM_004360.5 (MANE Select); coding-DNA position 281, C replaced by G.
Protein change: p.Pro94Arg; replaces proline 94 with arginine.
Molecular consequence: missense variant. On other transcripts: 5 prime UTR variant (2).
Genome position (GRCh38, 1-based): chr16:68,801,787, C>G. VCF-style: chr16-68801787-C-G. GRCh37 (hg19) VCF-style: chr16-68835690-C-G.
Other names: c.281C>G (LRG_301t1); c.281C>G, p.Pro94Arg (NM_001317184.2); c.-1335C>G (NM_001317185.2); c.-1539C>G (NM_001317186.2); short protein forms P94R.
Identifiers: ClinVar variation 633153 (VCV000633153.2), dbSNP rs1567501219, ClinGen allele CA396457300.